The following is an entry in ClinVar:

NM_005219.5(DIAPH1):c.3781C>T (p.Leu1261Phe)

Gene: DIAPH1 (diaphanous related formin 1; minus strand). Cytogenetic location: 5q31.3.
Variant type: single nucleotide variant.
Coding change: c.3781C>T on transcript NM_005219.5 (MANE Select); coding-DNA position 3781, C replaced by T.
Protein change: p.Leu1261Phe; replaces leucine 1261 with phenylalanine.
Molecular consequence: missense variant. On other transcripts: 3 prime UTR variant (1).
Genome position (GRCh38, 1-based): chr5:141,516,889, G>A on the plus strand (C>T on the coding strand, the complement: DIAPH1 is on the minus strand). VCF-style: chr5-141516889-G-A. GRCh37 (hg19) VCF-style: chr5-140896456-G-A.
Other names: c.3754C>T, p.Leu1252Phe (NM_001079812.3); c.*81C>T (NM_001314007.2); short protein forms L1252F, L1261F.
Identifiers: ClinVar variation 1473045 (VCV001473045.8), dbSNP rs2154594796, ClinGen allele CA361571882.

ClinVar aggregate classification (germline): Uncertain significance (1 of 4 stars; one submission).

Conditions:
Progressive microcephaly-seizures-cortical blindness-developmental delay syndrome. Also called: Seizures, cortical blindness, and microcephaly syndrome. Identifiers: Orphanet 477814, MedGen C5567650, MONDO:0014714, OMIM 616632.
Autosomal dominant nonsyndromic hearing loss 1. Also called: KONIGSMARK SYNDROME; DEAFNESS, AUTOSOMAL DOMINANT 1, WITH OR WITHOUT THROMBOCYTOPENIA. Identifiers: Orphanet 90635, MedGen C1852282, MONDO:0007424, OMIM 124900.

Submission:

Labcorp Genetics (formerly Invitae), Labcorp
Classification: Uncertain significance for Progressive microcephaly-seizures-cortical blindness-developmental delay syndrome; Autosomal dominant nonsyndromic hearing loss 1. Last evaluated: 2020-11-11. Review status: criteria provided, single submitter. Criteria: Invitae Variant Classification Sherloc (09022015). Collection method: clinical testing. Allele origin: germline.
Comment: In summary, the available evidence is currently insufficient to determine the role of this variant in disease. Therefore, it has been classified as a Variant of Uncertain Significance. This sequence change replaces leucine with phenylalanine at codon 1261 of the DIAPH1 protein (p.Leu1261Phe). The leucine residue is moderately conserved and there is a small physicochemical difference between leucine and phenylalanine. This variant is not present in population databases (ExAC no frequency). This variant has not been reported in the literature in individuals with DIAPH1-related conditions. Algorithms developed to predict the effect of missense changes on protein structure and function are either unavailable or do not agree on the potential impact of this missense change (SIFT: "Deleterious"; PolyPhen-2: "Possibly Damaging"; Align-GVGD: "Class C0").